The following is an entry in ClinVar:

ClinVar aggregate classification (germline): Uncertain significance. Review status: criteria provided, multiple submitters, no conflicts (2 of 4 stars). 3 submissions from 3 submitters: Uncertain significance (3). Last evaluated 2025-02-05.

Conditions:
Hereditary cancer-predisposing syndrome. Also called: Tumor predisposition; Neoplastic Syndromes, Hereditary; Hereditary neoplastic syndrome; Hereditary Cancer Syndrome. Identifiers: Orphanet 140162, MedGen C0027672, MeSH D009386, MONDO:0015356.
Costello syndrome (CSTLO). Also called: FCS SYNDROME; HRAS-Related Costello Syndrome; FACIOCUTANEOSKELETAL SYNDROME. Identifiers: Orphanet 3071, MedGen C0587248, MONDO:0009026, OMIM 218040.

Allele frequency attached by ClinVar (database versions not stated): ExAC 0.00002; gnomAD 0.00001; gnomAD exomes 0.00001; TOPMed 0.00001.
gnomAD v4.1: 13 of 1,613,056 alleles (0.00081%); highest among the groups gnomAD compares: African/African-American, 0.004%; no homozygotes.

Submissions (3):

Women's Health and Genetics/Laboratory Corporation of America, LabCorp
Classification: Uncertain significance. Last evaluated: 2025-02-05. Review status: criteria provided, single submitter. Criteria: LabCorp Variant Classification Summary - May 2015. Collection method: clinical testing. Allele origin: germline.
Comment: Variant summary: HRAS c.490C>T (p.Arg164Trp) results in a non-conservative amino acid change located in the small GTPase Ras family domain (IPR001806) of the encoded protein sequence. Four of five in-silico tools predict a damaging effect of the variant on protein function. The variant allele was found at a frequency of 1.2e-05 in 248902 control chromosomes. The available data on variant occurrences in the general population are insufficient to allow any conclusion about variant significance. To our knowledge, no occurrence of c.490C>T in individuals affected with Costello Syndrome and no experimental evidence demonstrating its impact on protein function have been reported. ClinVar contains an entry for this variant (Variation ID: 579709). Based on the evidence outlined above, the variant was classified as uncertain significance.

Labcorp Genetics (formerly Invitae), Labcorp
Classification: Uncertain significance for Costello syndrome. Last evaluated: 2023-09-17. Review status: criteria provided, single submitter. Criteria: Invitae Variant Classification Sherloc (09022015). Collection method: clinical testing. Allele origin: germline.
Comment: In summary, the available evidence is currently insufficient to determine the role of this variant in disease. Therefore, it has been classified as a Variant of Uncertain Significance. Advanced modeling performed at Invitae incorporating data from internal and/or published experimental studies (Invitae) indicates that this missense variant is not expected to disrupt HRAS function. ClinVar contains an entry for this variant (Variation ID: 579709). This variant has not been reported in the literature in individuals affected with HRAS-related conditions. This variant is present in population databases (rs779101895, gnomAD 0.007%). This sequence change replaces arginine, which is basic and polar, with tryptophan, which is neutral and slightly polar, at codon 164 of the HRAS protein (p.Arg164Trp).

Sema4
Classification: Uncertain significance for Hereditary cancer-predisposing syndrome. Last evaluated: 2022-02-28. Review status: criteria provided, single submitter. Criteria: Sema4 Curation Guidelines. Collection method: curation. Allele origin: germline.
Comment: The HRAS c.490C>T (p.R164W) variant has not been reported in the literature to our knowledge. This variant was observed in 3/248902 chromosomes across all populations in the Genome Aggregation Database (PMID: 32461654). The variant has been reported in ClinVar (Variation ID: 579709). Functional studies have not been performed, and in silico predictions of the variant's effect on protein function are inconclusive. The evidence is insufficient to meet ACMG/AMP criteria for classifying the variant as benign or pathogenic. Thus, the clinical significance of this variant is currently uncertain.

NM_005343.4(HRAS):c.490C>T (p.Arg164Trp)

Genes: HRAS (HRas proto-oncogene, GTPase; minus strand), LRRC56 (leucine rich repeat containing 56; plus strand). Cytogenetic location: 11p15.5.
Variant type: single nucleotide variant.
Coding change: c.490C>T on transcript NM_005343.4 (MANE Select); coding-DNA position 490, C replaced by T.
Protein change: p.Arg164Trp; replaces arginine 164 with tryptophan.
Molecular consequence: missense variant. On other transcripts: 3 prime UTR variant (1).
Genome position (GRCh38, 1-based): chr11:532,716, G>A on the plus strand (C>T on the coding strand, the complement: HRAS is on the minus strand). VCF-style: chr11-532716-G-A. GRCh37 (hg19) VCF-style: chr11-532716-G-A.
Other names: c.490C>T, p.Arg164Trp (NM_001130442.3); c.253C>T, p.Arg85Trp (NM_001318054.2); c.*59C>T (NM_176795.5); short protein forms R164W, R85W.
Identifiers: ClinVar variation 579709 (VCV000579709.11), dbSNP rs779101895, ClinGen allele CA5779220.